The following is an entry in ClinVar:

NM_001267550.2(TTN):c.427G>A (p.Glu143Lys)

Gene: TTN (titin; minus strand). Cytogenetic location: 2q31.2.
Variant type: single nucleotide variant.
Coding change: c.427G>A on transcript NM_001267550.2 (MANE Select); coding-DNA position 427, G replaced by A.
Protein change: p.Glu143Lys; replaces glutamic acid 143 with lysine.
Molecular consequence: missense variant.
Genome position (GRCh38, 1-based): chr2:178,800,551, C>T on the plus strand (G>A on the coding strand, the complement: TTN is on the minus strand). VCF-style: chr2-178800551-C-T. GRCh37 (hg19) VCF-style: chr2-179665278-C-T.
Other names: c.427G>A, p.Glu143Lys (NM_001256850.1, NM_003319.4, NM_133378.4 and 3 more transcripts); short protein forms E143K.
Identifiers: ClinVar variation 467149 (VCV000467149.12), dbSNP rs754182768, ClinGen allele CA2006320.

ClinVar aggregate classification (germline): Conflicting classifications of pathogenicity. Review status: criteria provided, conflicting classifications (1 of 4 stars). 5 submissions from 5 submitters: Uncertain significance (4); Likely benign (1). Last evaluated 2026-04-06.

Conditions:
Cardiovascular phenotype. Identifiers: MedGen CN230736.
Dilated cardiomyopathy 1G (CMD1G). Identifiers: Orphanet 154, MedGen C1858763, MONDO:0011400, OMIM 604145.
Autosomal recessive limb-girdle muscular dystrophy type 2J (LGMDR10). Also called: Limb-girdle muscular dystrophy, type 2J; MUSCULAR DYSTROPHY, LIMB-GIRDLE, AUTOSOMAL RECESSIVE 10. Identifiers: Orphanet 140922, MedGen C1837342, MONDO:0012127, OMIM 608807.

Allele frequency attached by ClinVar (database versions not stated): gnomAD 0.00002; TOPMed 0.00002; gnomAD exomes 0.00004; ExAC 0.00005.
gnomAD v4.1: 60 of 1,614,004 alleles (0.0037%); highest among the groups gnomAD compares: African/African-American, 0.0067%; no homozygotes.

Submissions (5):

Women's Health and Genetics/Laboratory Corporation of America, LabCorp
Classification: Uncertain significance. Last evaluated: 2026-04-06. Review status: criteria provided, single submitter. Criteria: LabCorp Variant Classification Summary - May 2015. Collection method: clinical testing. Allele origin: germline.
Comment: Variant summary: TTN c.427G>A (p.Glu143Lys) results in a conservative amino acid change in the encoded protein sequence. Algorithms developed to predict the effect of missense changes on protein structure and function are either unavailable or do not agree on the potential impact of this missense change. The variant allele was found at a frequency of 3.6e-05 in 251330 control chromosomes. The available data on variant occurrences in the general population are insufficient to allow any conclusion about variant significance. To our knowledge, no occurrence of c.427G>A in individuals affected with TTN-related conditions and no experimental evidence demonstrating its impact on protein function have been reported. ClinVar contains an entry for this variant (Variation ID: 467149). Based on the evidence outlined above, the variant was classified as uncertain significance.

GeneDx
Classification: Likely benign. Last evaluated: 2020-09-10. Review status: criteria provided, single submitter. Criteria: GeneDx Variant Classification Process June 2021. Collection method: clinical testing. Allele origin: germline. Affected: yes.

Revvity Omics, Revvity
Classification: Uncertain significance. Last evaluated: 2020-08-18. Review status: criteria provided, single submitter. Criteria: ACMG Guidelines, 2015. Collection method: clinical testing. Allele origin: germline.

Ambry Genetics
Classification: Uncertain significance for Cardiovascular phenotype. Last evaluated: 2019-09-09. Review status: criteria provided, single submitter. Criteria: Ambry Variant Classification Scheme 2023. Collection method: clinical testing. Allele origin: germline.
Comment: The p.E143K variant (also known as c.427G>A), located in coding exon 3 of the TTN gene, results from a G to A substitution at nucleotide position 427. The glutamic acid at codon 143 is replaced by lysine, an amino acid with similar properties. This amino acid position is highly conserved in available vertebrate species. In addition, the in silico prediction for this alteration is inconclusive. Since supporting evidence is limited at this time, the clinical significance of this alteration remains unclear.

Labcorp Genetics (formerly Invitae), Labcorp
Classification: Uncertain significance for Dilated cardiomyopathy 1G; Autosomal recessive limb-girdle muscular dystrophy type 2J. Last evaluated: 2017-05-16. Review status: criteria provided, single submitter. Criteria: Invitae Variant Classification Sherloc (09022015). Collection method: clinical testing. Allele origin: germline.